The following is an entry in ClinVar:

NM_000369.5(TSHR):c.463A>T (p.Ile155Leu)

Genes: TSHR (thyroid stimulating hormone receptor; plus strand), TSHR-AS1 (TSHR antisense RNA 1; minus strand). Cytogenetic location: 14q31.1.
Variant type: single nucleotide variant.
Coding change: c.463A>T on transcript NM_000369.5 (MANE Select); coding-DNA position 463, A replaced by T.
Protein change: p.Ile155Leu; replaces isoleucine 155 with leucine.
Molecular consequence: missense variant.
Genome position (GRCh38, 1-based): chr14:81,091,139, A>T. VCF-style: chr14-81091139-A-T. GRCh37 (hg19) VCF-style: chr14-81557483-A-T.
Other names: c.463A>T, p.Ile155Leu (NM_001018036.3, NM_001142626.3); short protein forms I155L.
Identifiers: ClinVar variation 888396 (VCV000888396.11), dbSNP rs141293178, ClinGen allele CA7294138.
Genomic context (GRCh38, chr14:81,091,139, plus strand): 5'-AACACTGGACTTAAAATGTTCCCTGACCTGACCAAAGTTTATTCCACTGATATATTCTTT[A>T]TACTGTAAGTATGCACACATGCCATGTTTGACAATATTTTGTTTGTCACTGACAAGAACT-3'
Protein context (NP_000360.2, residues 145-165): TKVYSTDIFF[Ile155Leu]LEITDNPYMT

ClinVar aggregate classification (germline): Conflicting classifications of pathogenicity. Review status: criteria provided, conflicting classifications (1 of 4 stars). 6 submissions from 5 submitters: Uncertain significance (3); Likely benign (2). 1 of the submissions does not count toward it. Last evaluated 2025-11-16.

Conditions:
Familial hyperthyroidism due to mutations in TSH receptor. Also called: TOXIC THYROID HYPERPLASIA, AUTOSOMAL DOMINANT; HYPERTHYROIDISM, CONGENITAL NONAUTOIMMUNE; HYPERTHYROIDISM, NONAUTOIMMUNE, AUTOSOMAL DOMINANT. Identifiers: Orphanet 424, MedGen C1836706, MONDO:0012203, OMIM 609152.
Hypothyroidism due to TSH receptor mutations. Also called: Hypothyroidism, congenital, nongoitrous, 1; HYPOTHYROIDISM DUE TO UNRESPONSIVENESS TO THYROTROPIN; HYPOTHYROIDISM, CONGENITAL, DUE TO TSH RESISTANCE; HYPOTHYROIDISM, NONAUTOIMMUNE; THYROID-STIMULATING HORMONE, RESISTANCE TO; TSH RESISTANCE. Identifiers: Orphanet 90673, MedGen C3493776, MONDO:0010142, OMIM 275200.

Allele frequency attached by ClinVar (database versions not stated): gnomAD 0.00051 and 0.00055; TOPMed 0.00059; 1000 Genomes Project 30x 0.00062; gnomAD exomes 0.00066; ESP Exome Variant Server 0.00077; 1000 Genomes Project 0.00080.
gnomAD v4.1: 1,061 of 1,611,188 alleles (0.066%); highest among the groups gnomAD compares: South Asian, 0.15%; no homozygotes.

Submissions (6):

Labcorp Genetics (formerly Invitae), Labcorp
Classification: Likely benign. Last evaluated: 2025-11-16. Review status: criteria provided, single submitter. Criteria: Invitae Variant Classification Sherloc (09022015). Collection method: clinical testing. Allele origin: germline.

Women's Health and Genetics/Laboratory Corporation of America, LabCorp
Classification: Uncertain significance. Last evaluated: 2024-12-16. Review status: criteria provided, single submitter. Criteria: LabCorp Variant Classification Summary - May 2015. Collection method: clinical testing. Allele origin: germline.
Comment: Variant summary: TSHR c.463A>T (p.Ile155Leu) results in a conservative amino acid change in the encoded protein sequence. Four of five in-silico tools predict a benign effect of the variant on protein function. The variant allele was found at a frequency of 0.00058 in 249626 control chromosomes. This frequency is not significantly higher than estimated for a pathogenic variant in TSHR causing Hypothyroidism Due To TSH Receptor Mutations, allowing no conclusion about variant significance. c.463A>T has been reported in the literature in heterozygous individuals affected with congenital hypothyroidism without reported second variant (e.g. Radetti_2022). This report does not provide unequivocal conclusions about association of the variant with Hypothyroidism Due To TSH Receptor Mutations. To our knowledge, no experimental evidence demonstrating an impact on protein function has been reported. The following publication has been ascertained in the context of this evaluation (PMID: 35060923). ClinVar contains an entry for this variant (Variation ID: 888396). Based on the evidence outlined above, the variant was classified as uncertain significance.

Blueprint Genetics
Classification: Uncertain significance. Last evaluated: 2024-11-18. Review status: criteria provided, single submitter. Criteria: ACMG Guidelines, 2015. Collection method: clinical testing. Allele origin: germline.

Illumina Laboratory Services, Illumina
Classification: Likely benign for Familial hyperthyroidism due to mutations in TSH receptor. Last evaluated: 2017-04-27. Review status: criteria provided, single submitter. Criteria: ICSL Variant Classification Criteria 13 December 2019. Collection method: clinical testing. Allele origin: germline.
Comment: This variant was observed as part of a predisposition screen in an ostensibly healthy population. A literature search was performed for the gene, cDNA change, and amino acid change (where applicable). No publications were found based on this search. Allele frequency data from public databases allowed determination this variant is unlikely to cause disease. Therefore, this variant is classified as likely benign.

Illumina Laboratory Services, Illumina
Classification: Uncertain significance for Hypothyroidism due to TSH receptor mutations. Last evaluated: 2017-04-27. Review status: criteria provided, single submitter. Criteria: ICSL Variant Classification Criteria 13 December 2019. Collection method: clinical testing. Allele origin: germline.

Department of Pathology and Laboratory Medicine, Sinai Health System
Classification: Uncertain significance. Review status: no assertion criteria provided. Collection method: clinical testing. Allele origin: unknown. Affected: yes. Study: The Canadian Open Genetics Repository (COGR). Not counted in ClinVar's aggregate classification.
Comment: The TSHR p.Ile155Leu variant was not identified in the literature nor was it identified in ClinVar or Cosmic. The variant was identified in dbSNP (ID: rs141293178) and LOVD 3.0. The variant was also identified in control databases in 155 of 281030 chromosomes at a frequency of 0.000552 increasing the likelihood this could be a low frequency benign variant (Genome Aggregation Database Feb 27, 2017). The variant was observed in the following populations: South Asian in 45 of 30608 chromosomes (freq: 0.00147), European (non-Finnish) in 97 of 128604 chromosomes (freq: 0.000754), Other in 2 of 7186 chromosomes (freq: 0.000278), Latino in 5 of 35394 chromosomes (freq: 0.000141), European (Finnish) in 3 of 23968 chromosomes (freq: 0.000125) and African in 3 of 24960 chromosomes (freq: 0.00012); it was not observed in the Ashkenazi Jewish and East Asian populations. The variant occurs outside of the splicing consensus sequence and in silico or computational prediction software programs (SpliceSiteFinder, MaxEntScan, NNSPLICE, GeneSplicer) do not predict a difference in splicing at the variant location. The p.Ile155 residue is conserved in mammals but not in more distantly related organisms however four out of five computational analyses (PolyPhen-2, SIFT, AlignGVGD, BLOSUM) do not suggest a high likelihood of impact to the protein; this information is not predictive enough to rule out pathogenicity. In summary, based on the above information the clinical significance of this variant cannot be determined with certainty at this time. This variant is classified as a variant of uncertain significance.

Literature cited by the submitters: PubMed 35060923 (cited by Women's Health and Genetics/Laboratory Corporation of America, LabCorp).